The following is an entry in ClinVar:

ClinVar aggregate classification (germline): Uncertain significance. Review status: criteria provided, single submitter (1 of 4 stars). 2 submissions from 1 submitter: Uncertain significance (2). Last evaluated 2023-10-03.

Conditions:
Catecholaminergic polymorphic ventricular tachycardia (CVPT). Also called: Catecholamine-induced polymorphic ventricular tachycardia. Identifiers: Orphanet 3286, MedGen C5574922, MONDO:0017990.
Catecholaminergic polymorphic ventricular tachycardia 1. Also called: VENTRICULAR TACHYCARDIA, CATECHOLAMINERGIC POLYMORPHIC, 1, WITH OR WITHOUT ATRIAL DYSFUNCTION AND/OR DILATED CARDIOMYOPATHY; RYR2-Related Catecholaminergic Polymorphic Ventricular Tachycardia; VENTRICULAR TACHYCARDIA, STRESS-INDUCED POLYMORPHIC 1. Identifiers: Orphanet 3286, MedGen C1631597, MONDO:0011484, OMIM 604772.

Submissions (2):

Labcorp Genetics (formerly Invitae), Labcorp
Classification: Uncertain significance for Catecholaminergic polymorphic ventricular tachycardia 1. Last evaluated: 2023-10-03. Review status: criteria provided, single submitter. Criteria: Invitae Variant Classification Sherloc (09022015). Collection method: clinical testing. Allele origin: germline.
Comment: This variant is a gross deletion of the genomic region encompassing exon(s) 81-105 of the RYR2 gene, which includes the termination codon. This deletion extends beyond the assayed region for this gene and therefore may encompass additional genes. While this deletion is not anticipated to lead to nonsense mediated decay, it is expected to alter mRNA translation or result in a truncated protein product. This variant has not been reported in the literature in individuals affected with RYR2-related conditions. In summary, the available evidence is currently insufficient to determine the role of this variant in disease. Therefore, it has been classified as a Variant of Uncertain Significance.

Labcorp Genetics (formerly Invitae), Labcorp
Classification: Uncertain significance for Catecholaminergic polymorphic ventricular tachycardia. Last evaluated: 2019-03-04. Review status: criteria provided, single submitter. Criteria: Invitae Variant Classification Sherloc (09022015). Collection method: clinical testing. Allele origin: germline.
Comment: This variant is a gross deletion of the genomic region encompassing exons 81-105 of the RYR2 gene. The 5' boundary is likely confined to intron 80. The 3' end of this event is unknown as it extends through the termination codon beyond the assayed region for this gene and may encompass additional genes. While this deletion is not anticipated to result in nonsense mediated decay, it is expected to create a truncated protein product or disrupt mRNA translation. This variant has not been reported in the literature in individuals with RYR2-related conditions. In summary, the available evidence is currently insufficient to determine the role of this variant in disease. Therefore, it has been classified as a Variant of Uncertain Significance.

NC_000001.11:g.(?_237756278)_(237832657_?)del

Gene: RYR2 (ryanodine receptor 2; plus strand). Cytogenetic location: 1q43.
Variant type: Deletion.
Identifiers: ClinVar variation 830966 (VCV000830966.7).